The following is an entry in ClinVar:

NM_015378.4(VPS13D):c.1208C>T (p.Ala403Val)

Gene: VPS13D (vacuolar protein sorting 13 homolog D; plus strand). Cytogenetic location: 1p36.22.
Variant type: single nucleotide variant.
Coding change: c.1208C>T on transcript NM_015378.4 (MANE Select); coding-DNA position 1208, C replaced by T.
Protein change: p.Ala403Val; replaces alanine 403 with valine.
Molecular consequence: missense variant.
Genome position (GRCh38, 1-based): chr1:12,260,790, C>T. VCF-style: chr1-12260790-C-T. GRCh37 (hg19) VCF-style: chr1-12320847-C-T.
Other names: c.1208C>T, p.Ala403Val (NM_018156.4); short protein forms A403V.
Identifiers: ClinVar variation 2781662 (VCV002781662.3), dbSNP rs905420307, ClinGen allele CA18028827.

ClinVar aggregate classification (germline): Uncertain significance (1 of 4 stars; one submission).

Allele frequency attached by ClinVar (database versions not stated): gnomAD exomes below 0.00001.
gnomAD v4.1: 1 of 1,614,036 alleles (0.000062%); highest among the groups gnomAD compares: Non-Finnish European, 0.000085%; no homozygotes.

Submission:

Labcorp Genetics (formerly Invitae), Labcorp
Classification: Uncertain significance. Last evaluated: 2022-12-30. Review status: criteria provided, single submitter. Criteria: Invitae Variant Classification Sherloc (09022015). Collection method: clinical testing. Allele origin: germline.
Comment: This sequence change replaces alanine, which is neutral and non-polar, with valine, which is neutral and non-polar, at codon 403 of the VPS13D protein (p.Ala403Val). This variant is not present in population databases (gnomAD no frequency). This variant has not been reported in the literature in individuals affected with VPS13D-related conditions. Algorithms developed to predict the effect of missense changes on protein structure and function output the following: SIFT: "Not Available"; PolyPhen-2: "Benign"; Align-GVGD: "Not Available". The valine amino acid residue is found in multiple mammalian species, which suggests that this missense change does not adversely affect protein function. In summary, the available evidence is currently insufficient to determine the role of this variant in disease. Therefore, it has been classified as a Variant of Uncertain Significance.